The following is an entry in ClinVar:

NM_000455.5(STK11):c.291-11C>T

Gene: STK11 (serine/threonine kinase 11; plus strand). Cytogenetic location: 19p13.3.
Variant type: single nucleotide variant.
Coding change: c.291-11C>T on transcript NM_000455.5 (MANE Select); 11 bases into the intron before coding-DNA position 291, C replaced by T.
Molecular consequence: intron variant.
Genome position (GRCh38, 1-based): chr19:1,218,406, C>T. VCF-style: chr19-1218406-C-T. GRCh37 (hg19) VCF-style: chr19-1218405-C-T.
Identifiers: ClinVar variation 492522 (VCV000492522.13), dbSNP rs1234044836, ClinGen allele CA631031682.

ClinVar aggregate classification (germline): Likely benign. Review status: criteria provided, multiple submitters, no conflicts (2 of 4 stars). 4 submissions from 4 submitters: Likely benign (4). Last evaluated 2026-01-11.

Conditions:
Peutz-Jeghers syndrome (PJS). Also called: POLYPOSIS, HAMARTOMATOUS INTESTINAL; POLYPS-AND-SPOTS SYNDROME; Peutz-Jeghers polyposis; Periorificial lentiginosis syndrome. Identifiers: Orphanet 2869, MedGen C0031269, MeSH D010580, MONDO:0008280, OMIM 175200.
Hereditary cancer-predisposing syndrome. Also called: Tumor predisposition; Neoplastic Syndromes, Hereditary; Hereditary Cancer Syndrome; Hereditary neoplastic syndrome. Identifiers: Orphanet 140162, MedGen C0027672, MeSH D009386, MONDO:0015356.

Allele frequency attached by ClinVar (database versions not stated): gnomAD exomes below 0.00001 and 0.00001.
gnomAD v4.1: 9 of 1,611,670 alleles (0.00056%); highest among the groups gnomAD compares: South Asian, 0.0033%; no homozygotes.

Submissions (4):

Labcorp Genetics (formerly Invitae), Labcorp
Classification: Likely benign for Peutz-Jeghers syndrome. Last evaluated: 2026-01-11. Review status: criteria provided, single submitter. Criteria: Invitae Variant Classification Sherloc (09022015). Collection method: clinical testing. Allele origin: germline.

Myriad Genetics, Inc.
Classification: Likely benign for Peutz-Jeghers syndrome. Last evaluated: 2025-03-25. Review status: criteria provided, single submitter. Criteria: Myriad Autosomal Dominant, Autosomal Recessive and X-Linked Classification Criteria (2023). Collection method: clinical testing. Allele origin: unknown.
Comment: This variant is considered likely benign. This variant is intronic and is not expected to impact mRNA splicing.

All of Us Research Program, National Institutes of Health
Classification: Likely benign for Peutz-Jeghers syndrome. Last evaluated: 2023-12-15. Review status: criteria provided, single submitter. Criteria: ACMG Guidelines, 2015. Collection method: clinical testing. Allele origin: germline. Inheritance: Autosomal dominant inheritance. Observed: 2 variant alleles, 2 heterozygotes.
Comment: This study involves interpretation of variants in research participants for the purpose of population health screening. Participant phenotype was not available at the time of variant classification. Additional details can be found in publication PMID: 35346344, PMCID: PMC8962531

Color Diagnostics, LLC DBA Color Health
Classification: Likely benign for Hereditary cancer-predisposing syndrome. Last evaluated: 2017-06-22. Review status: criteria provided, single submitter. Criteria: ACMG Guidelines, 2015. Collection method: clinical testing. Allele origin: germline.